The following is an entry in ClinVar:

NM_000287.4(PEX6):c.2915G>A (p.Arg972His)

Gene: PEX6 (peroxisomal biogenesis factor 6; minus strand). Cytogenetic location: 6p21.1.
Variant type: single nucleotide variant.
Coding change: c.2915G>A on transcript NM_000287.4 (MANE Select); coding-DNA position 2915, G replaced by A.
Protein change: p.Arg972His; replaces arginine 972 with histidine.
Molecular consequence: missense variant. On other transcripts: non-coding transcript variant (1).
Genome position (GRCh38, 1-based): chr6:42,964,363, C>T on the plus strand (G>A on the coding strand, the complement: PEX6 is on the minus strand). VCF-style: chr6-42964363-C-T. GRCh37 (hg19) VCF-style: chr6-42932101-C-T.
Other names: c.2651G>A, p.Arg884His (NM_001316313.2); c.2915G>A (NM_000287.3); short protein forms R884H, R972H.
Identifiers: ClinVar variation 1402867 (VCV001402867.6), dbSNP rs751058292, ClinGen allele CA3810863.

ClinVar aggregate classification (germline): Uncertain significance. Review status: criteria provided, multiple submitters, no conflicts (2 of 4 stars). 2 submissions from 2 submitters: Uncertain significance (2). Last evaluated 2025-10-01.

Conditions:
PEX6-related disorder. Also called: PEX6-related condition; PEX6-related disorders.
Peroxisome biogenesis disorder. Identifiers: Orphanet 79189, MedGen C1832200, MONDO:0019234. Disease mechanism: loss of function.

Allele frequency attached by ClinVar (database versions not stated): gnomAD exomes 0.00001; ExAC 0.00002.

Submissions (2):

PreventionGenetics, part of Exact Sciences
Classification: Uncertain significance for PEX6-related condition. Last evaluated: 2025-10-01. Review status: criteria provided, single submitter. Criteria: ACMG Guidelines, 2015. Collection method: clinical testing. Allele origin: germline.
Comment: The PEX6 c.2915G>A variant is predicted to result in the amino acid substitution p.Arg972His. To our knowledge, this variant has not been reported in the literature. This variant is reported in 0.0065% of alleles in individuals of South Asian descent in gnomAD. At this time, the clinical significance of this variant is uncertain due to the absence of conclusive functional and genetic evidence.

Labcorp Genetics (formerly Invitae), Labcorp
Classification: Uncertain significance for Peroxisome biogenesis disorder. Last evaluated: 2021-11-28. Review status: criteria provided, single submitter. Criteria: Invitae Variant Classification Sherloc (09022015). Collection method: clinical testing. Allele origin: germline.
Comment: This sequence change replaces arginine, which is basic and polar, with histidine, which is basic and polar, at codon 972 of the PEX6 protein (p.Arg972His). This variant is present in population databases (rs751058292, gnomAD 0.006%). This variant has not been reported in the literature in individuals affected with PEX6-related conditions. Algorithms developed to predict the effect of missense changes on protein structure and function output the following: SIFT: "Tolerated"; PolyPhen-2: "Benign"; Align-GVGD: "Class C0". The histidine amino acid residue is found in multiple mammalian species, which suggests that this missense change does not adversely affect protein function. In summary, the available evidence is currently insufficient to determine the role of this variant in disease. Therefore, it has been classified as a Variant of Uncertain Significance.